The following is an entry in ClinVar:

ClinVar aggregate classification (germline): Uncertain significance (1 of 4 stars; one submission).

Submission:

Labcorp Genetics (formerly Invitae), Labcorp
Classification: Uncertain significance. Last evaluated: 2022-12-02. Review status: criteria provided, single submitter. Criteria: Invitae Variant Classification Sherloc (09022015). Collection method: clinical testing. Allele origin: germline.
Comment: In summary, the available evidence is currently insufficient to determine the role of this variant in disease. Therefore, it has been classified as a Variant of Uncertain Significance. Algorithms developed to predict the effect of missense changes on protein structure and function output the following: SIFT: "Tolerated"; PolyPhen-2: "Benign"; Align-GVGD: "Class C0". The serine amino acid residue is found in multiple mammalian species, which suggests that this missense change does not adversely affect protein function. This variant has not been reported in the literature in individuals affected with RP1-related conditions. This variant is not present in population databases (gnomAD no frequency). This sequence change replaces alanine, which is neutral and non-polar, with serine, which is neutral and polar, at codon 2103 of the RP1 protein (p.Ala2103Ser).

NM_006269.2(RP1):c.6307G>T (p.Ala2103Ser)

Gene: RP1 (RP1 axonemal microtubule associated; plus strand). Cytogenetic location: 8q12.1.
Variant type: single nucleotide variant.
Coding change: c.6307G>T on transcript NM_006269.2 (MANE Select); coding-DNA position 6307, G replaced by T.
Protein change: p.Ala2103Ser; replaces alanine 2103 with serine.
Molecular consequence: missense variant. On other transcripts: intron variant (1).
Genome position (GRCh38, 1-based): chr8:54,630,189, G>T. VCF-style: chr8-54630189-G-T. GRCh37 (hg19) VCF-style: chr8-55542749-G-T.
Other names: c.787+7901G>T (NM_001375654.1); short protein forms A2103S.
Identifiers: ClinVar variation 2817979 (VCV002817979.3), dbSNP rs1349129955, ClinGen allele CA370991754.